The following is an entry in ClinVar:

ClinVar aggregate classification (germline): Uncertain significance (1 of 4 stars; one submission).

Allele frequency attached by ClinVar (database versions not stated): gnomAD exomes below 0.00001; ExAC 0.00002; gnomAD 0.00003; TOPMed 0.00003; ESP Exome Variant Server 0.00008.
gnomAD v4.1: 6 of 1,613,916 alleles (0.00037%); highest among the groups gnomAD compares: African/African-American, 0.0067%; no homozygotes.

Submission:

Labcorp Genetics (formerly Invitae), Labcorp
Classification: Uncertain significance. Last evaluated: 2022-03-23. Review status: criteria provided, single submitter. Criteria: Invitae Variant Classification Sherloc (09022015). Collection method: clinical testing. Allele origin: germline.
Comment: In summary, the available evidence is currently insufficient to determine the role of this variant in disease. Therefore, it has been classified as a Variant of Uncertain Significance. Algorithms developed to predict the effect of missense changes on protein structure and function (SIFT, PolyPhen-2, Align-GVGD) all suggest that this variant is likely to be tolerated. This variant has not been reported in the literature in individuals affected with DENND5A-related conditions. This variant is present in population databases (rs377395197, gnomAD 0.007%). This sequence change replaces phenylalanine, which is neutral and non-polar, with valine, which is neutral and non-polar, at codon 669 of the DENND5A protein (p.Phe669Val).

NM_015213.4(DENND5A):c.2005T>G (p.Phe669Val)

Gene: DENND5A (DENN domain containing 5A; minus strand). Cytogenetic location: 11p15.4.
Variant type: single nucleotide variant.
Coding change: c.2005T>G on transcript NM_015213.4 (MANE Select); coding-DNA position 2005, T replaced by G.
Protein change: p.Phe669Val; replaces phenylalanine 669 with valine.
Molecular consequence: missense variant. On other transcripts: non-coding transcript variant (1).
Genome position (GRCh38, 1-based): chr11:9,170,679, A>C on the plus strand (T>G on the coding strand, the complement: DENND5A is on the minus strand). VCF-style: chr11-9170679-A-C. GRCh37 (hg19) VCF-style: chr11-9192226-A-C.
Other names: c.2005T>G, p.Phe669Val (NM_001243254.2, NM_001348748.1); c.1933T>G, p.Phe645Val (NM_001348749.2); c.1717T>G, p.Phe573Val (NM_001348750.2); short protein forms F573V, F645V, F669V.
Identifiers: ClinVar variation 1958614 (VCV001958614.5), dbSNP rs377395197, ClinGen allele CA5877464.